The following is an entry in ClinVar:

ClinVar aggregate classification (germline): Uncertain significance (1 of 4 stars; one submission).

Conditions:
PRKD1-related disorder. Also called: PRKD1-related condition.

gnomAD v4.1: 1 of 1,555,992 alleles (0.000064%); highest among the groups gnomAD compares: Admixed American, 0.0019%; no homozygotes.

Submission:

PreventionGenetics, part of Exact Sciences
Classification: Uncertain significance for PRKD1-related condition. Last evaluated: 2026-09-04. Review status: criteria provided, single submitter. Criteria: ACMG Guidelines, 2015. Collection method: clinical testing. Allele origin: germline.
Comment: The PRKD1 c.134C>G variant is predicted to result in the amino acid substitution p.Pro45Arg. To our knowledge, this variant has not been reported in the literature or in a large population database (gnomAD), indicating this variant is rare. At this time, the clinical significance of this variant is uncertain due to the absence of conclusive functional and genetic evidence.

NM_002742.3(PRKD1):c.134C>G (p.Pro45Arg)

Gene: PRKD1 (protein kinase D1; minus strand). Cytogenetic location: 14q12.
Variant type: single nucleotide variant.
Coding change: c.134C>G on transcript NM_002742.3 (MANE Select); coding-DNA position 134, C replaced by G.
Protein change: p.Pro45Arg; replaces proline 45 with arginine.
Molecular consequence: missense variant.
Genome position (GRCh38, 1-based): chr14:29,927,379, G>C on the plus strand (C>G on the coding strand, the complement: PRKD1 is on the minus strand). VCF-style: chr14-29927379-G-C. GRCh37 (hg19) VCF-style: chr14-30396585-G-C.
Other names: c.134C>G, p.Pro45Arg (NM_001330069.2); short protein forms P45R.
Identifiers: ClinVar variation 4996064 (VCV004996064.1).
Genomic context (GRCh38, chr14:29,927,379, plus strand): 5'-AGCAGCAGCACCGGCTCACGGCTCAGGCCGATCTGCAGATGGAACGAGATGCCCCCGACC[G>C]GGGCCGCGACAGGAGCCAAGAACGGCGCGGGCCCGGGCCCGGACCCTGGGACCAGTGCGG-3'
Protein context (NP_002733.2, residues 35-55): PAPFLAPVAA[Pro45Arg]VGGISFHLQI